The following is an entry in ClinVar:

NM_001042492.3(NF1):c.4747_4748dup (p.Phe1584fs)

Gene: NF1 (neurofibromin 1; plus strand). Cytogenetic location: 17q11.2.
Variant type: Duplication.
Coding change: c.4747_4748dup on transcript NM_001042492.3 (MANE Select); coding-DNA positions 4747 to 4748, 2 bases duplicated (GA; older notation c.4747_4748dupGA).
Protein change: p.Phe1584fs; shifts the reading frame from phenylalanine 1584.
Molecular consequence: frameshift variant.
Genome position (GRCh38, 1-based): chr17:31,265,251-31,265,252, GA duplicated; duplicating any 2 consecutive bases within chr17:31,265,250-31,265,252 gives the same sequence; the c. name uses the placement nearest the transcript's 3' end. VCF-style (leftmost placement, unchanged base first): chr17-31265249-A-AAG. GRCh37 (hg19) VCF-style: chr17-29592267-A-AAG.
Other names: c.4684_4685dup, p.Phe1563Asnfs (NM_000267.4); c.4684_4685dupGA (NM_000267.3); short protein forms F1563fs, F1584fs.
Identifiers: ClinVar variation 404532 (VCV000404532.5), dbSNP rs1555619397, ClinGen allele CA16615252.

ClinVar aggregate classification (germline): Pathogenic (1 of 4 stars; one submission).

Conditions:
Neurofibromatosis, type 1 (NF1). Also called: Neurofibromatosis, type I; NEUROFIBROMATOSIS, TYPE I, SOMATIC; Peripheral type neurofibromatosis; VON RECKLINGHAUSEN DISEASE. Identifiers: Orphanet 636, MedGen C0027831, MONDO:0018975, OMIM 162200. Disease mechanism: loss of function.

Submission:

Labcorp Genetics (formerly Invitae), Labcorp
Classification: Pathogenic for Neurofibromatosis, type 1. Last evaluated: 2016-10-17. Review status: criteria provided, single submitter. Criteria: Invitae Variant Classification Sherloc (09022015). Collection method: clinical testing. Allele origin: germline.
Comment: This sequence change inserts 2 nucleotides in exon 35 of the NF1 mRNA (c.4684_4685dupGA), causing a frameshift at codon 1563. This creates a premature translational stop signal (p.Phe1563Asnfs*5) and is expected to result in an absent or disrupted protein product. While this particular variant has not been reported in the literature, loss-of-function variants in NF1 are known to be pathogenic (PMID: 10712197, 23913538). For these reasons, this variant has been classified as Pathogenic.

Literature cited by the submitters: PubMed 10712197; PubMed 23913538.